The following is an entry in ClinVar:

NM_000338.3(SLC12A1):c.2388C>T (p.Tyr796=)

Gene: SLC12A1 (solute carrier family 12 member 1; plus strand). Cytogenetic location: 15q21.1.
Variant type: single nucleotide variant.
Coding change: c.2388C>T on transcript NM_000338.3 (MANE Select); coding-DNA position 2388, C replaced by T.
Protein change: p.Tyr796=; no amino-acid change (tyrosine 796 retained).
Molecular consequence: synonymous variant.
Genome position (GRCh38, 1-based): chr15:48,269,750, C>T. VCF-style: chr15-48269750-C-T. GRCh37 (hg19) VCF-style: chr15-48561947-C-T.
Other names: c.2388C>T (NM_000338.2); c.2388C>T, p.Tyr796= (NM_001184832.2, NM_001384136.1).
Identifiers: ClinVar variation 2888285 (VCV002888285.23), dbSNP rs150773611, ClinGen allele CA7547375.

ClinVar aggregate classification (germline): Likely benign. Review status: criteria provided, multiple submitters, no conflicts (2 of 4 stars). 3 submissions from 3 submitters: Likely benign (3). Last evaluated 2026-01-09.

Conditions:
SLC12A1-related disorder. Also called: SLC12A1-related condition.

Allele frequency attached by ClinVar (database versions not stated): ExAC 0.00005; gnomAD 0.00005; TOPMed 0.00005; gnomAD exomes 0.00008; ESP Exome Variant Server 0.00015.
gnomAD v4.1: 128 of 1,588,462 alleles (0.0081%); highest among the groups gnomAD compares: East Asian, 0.013%; no homozygotes.

Submissions (3):

Labcorp Genetics (formerly Invitae), Labcorp
Classification: Likely benign. Last evaluated: 2026-01-09. Review status: criteria provided, single submitter. Criteria: Invitae Variant Classification Sherloc (09022015). Collection method: clinical testing. Allele origin: germline.

PreventionGenetics, part of Exact Sciences
Classification: Likely benign for SLC12A1-related condition. Last evaluated: 2024-12-08. Review status: criteria provided, single submitter. Criteria: ACMG Guidelines, 2015. Collection method: clinical testing. Allele origin: germline.
Comment: This variant is classified as likely benign based on ACMG/AMP sequence variant interpretation guidelines (Richards et al. 2015 PMID: 25741868, with internal and published modifications).

CeGaT Center for Human Genetics Tuebingen
Classification: Likely benign. Last evaluated: 2024-05-01. Review status: criteria provided, single submitter. Criteria: CeGaT Center For Human Genetics Tuebingen Variant Classification Criteria Version 2. Collection method: clinical testing. Allele origin: germline. Affected: yes. Observed: 1 variant allele.
Comment: SLC12A1: BP4, BP7